The following is an entry in ClinVar:

ClinVar aggregate classification (germline): Uncertain significance (1 of 4 stars; one submission).

Conditions:
Hereditary cancer-predisposing syndrome. Also called: Neoplastic Syndromes, Hereditary; Tumor predisposition; Hereditary Cancer Syndrome; Hereditary neoplastic syndrome. Identifiers: Orphanet 140162, MedGen C0027672, MeSH D009386, MONDO:0015356.

Submission:

Color Diagnostics, LLC DBA Color Health
Classification: Uncertain significance for Hereditary cancer-predisposing syndrome. Last evaluated: 2024-09-23. Review status: criteria provided, single submitter. Criteria: ACMG Guidelines, 2015. Collection method: clinical testing. Allele origin: germline.
Comment: This missense variant replaces asparagine with serine at codon 2940 of the ATM protein. Computational prediction suggests that this variant may not impact protein structure and function (internally defined REVEL score threshold <= 0.5, PMID: 27666373). To our knowledge, functional studies have not been reported for this variant. This variant has not been reported in individuals affected with ATM-related disorders in the literature. This variant has not been identified in the general population by the Genome Aggregation Database (gnomAD). The available evidence is insufficient to determine the role of this variant in disease conclusively. Therefore, this variant is classified as a Variant of Uncertain Significance.

NM_000051.4(ATM):c.8819A>G (p.Asn2940Ser)

Genes: C11orf65 (chromosome 11 open reading frame 65; minus strand), ATM (ATM serine/threonine kinase; plus strand). Cytogenetic location: 11q22.3.
Variant type: single nucleotide variant.
Coding change: c.8819A>G on transcript NM_000051.4 (MANE Select); coding-DNA position 8819, A replaced by G.
Protein change: p.Asn2940Ser; replaces asparagine 2940 with serine.
Molecular consequence: missense variant. On other transcripts: intron variant (2).
Genome position (GRCh38, 1-based): chr11:108,354,843, A>G. VCF-style: chr11-108354843-A-G. GRCh37 (hg19) VCF-style: chr11-108225570-A-G.
Other names: c.8819A>G, p.Asn2940Ser (NM_001351834.2); c.640+31077T>C (NM_001330368.2); c.695-19551T>C (NM_001351110.2); short protein forms N2940S.
Identifiers: ClinVar variation 3894064 (VCV003894064.1).